The following is an entry in ClinVar:

NM_000257.4(MYH7):c.2990A>G (p.Lys997Arg)

Gene: MYH7 (myosin heavy chain 7; minus strand). Cytogenetic location: 14q11.2.
Variant type: single nucleotide variant.
Coding change: c.2990A>G on transcript NM_000257.4 (MANE Select); coding-DNA position 2990, A replaced by G.
Protein change: p.Lys997Arg; replaces lysine 997 with arginine.
Molecular consequence: missense variant.
Genome position (GRCh38, 1-based): chr14:23,423,656, T>C on the plus strand (A>G on the coding strand, the complement: MYH7 is on the minus strand). VCF-style: chr14-23423656-T-C. GRCh37 (hg19) VCF-style: chr14-23892865-T-C.
Other names: short protein forms K997R.
Identifiers: ClinVar variation 1484169 (VCV001484169.7), dbSNP rs1381730326, ClinGen allele CA389046306.
Genomic context (GRCh38, chr14:23,423,656, plus strand): 5'-ACCTTGTCCTCCTCGGCCTGAAGGTCATCCAGAGCCTGTTGGTGGGCCTCTTGCAGAGCT[T>C]TCTTCTCCTTGGTCAGCTTGGCAATGATCTCATCCAGCCCAGCCATCTCCTCTGTCAGGT-3'
Protein context (NP_000248.2, residues 987-1007): EIIAKLTKEK[Lys997Arg]ALQEAHQQAL

ClinVar aggregate classification (germline): Uncertain significance (1 of 4 stars; one submission).

Conditions:
Hypertrophic cardiomyopathy. Also called: HYPERTROPHIC MYOCARDIOPATHY. Identifiers: Orphanet 217569, MedGen C0007194, MeSH D002312, MONDO:0005045, HP:0001639.

Allele frequency attached by ClinVar (database versions not stated): gnomAD 0.00001; TOPMed 0.00001.

Submission:

Labcorp Genetics (formerly Invitae), Labcorp
Classification: Uncertain significance for Hypertrophic cardiomyopathy. Last evaluated: 2026-01-11. Review status: criteria provided, single submitter. Criteria: Invitae Variant Classification Sherloc (09022015). Collection method: clinical testing. Allele origin: germline.
Comment: This sequence change replaces lysine, which is basic and polar, with arginine, which is basic and polar, at codon 997 of the MYH7 protein (p.Lys997Arg). This variant is not present in population databases (gnomAD no frequency). This variant has not been reported in the literature in individuals affected with MYH7-related conditions. ClinVar contains an entry for this variant (Variation ID: 1484169). Invitae Evidence Modeling of protein sequence and biophysical properties (such as structural, functional, and spatial information, amino acid conservation, physicochemical variation, residue mobility, and thermodynamic stability) indicates that this missense variant is expected to disrupt MYH7 protein function with a positive predictive value of 95%. In summary, the available evidence is currently insufficient to determine the role of this variant in disease. Therefore, it has been classified as a Variant of Uncertain Significance.